The following is an entry in ClinVar:

NM_024652.6(LRRK1):c.2058G>A (p.Ser686=)

Gene: LRRK1 (leucine rich repeat kinase 1; plus strand). Cytogenetic location: 15q26.3.
Variant type: single nucleotide variant.
Coding change: c.2058G>A on transcript NM_024652.6 (MANE Select); coding-DNA position 2058, G replaced by A.
Protein change: p.Ser686=; no amino-acid change (serine 686 retained).
Molecular consequence: synonymous variant.
Genome position (GRCh38, 1-based): chr15:101,022,588, G>A. VCF-style: chr15-101022588-G-A. GRCh37 (hg19) VCF-style: chr15-101562793-G-A.
Other names: c.2058G>A (NM_024652.5).
Identifiers: ClinVar variation 1601036 (VCV001601036.11), dbSNP rs11247253, ClinGen allele CA7761097.

ClinVar aggregate classification (germline): Benign. Review status: criteria provided, multiple submitters, no conflicts (2 of 4 stars). 3 submissions from 3 submitters: Benign (2). 1 of the submissions does not count toward it. Last evaluated 2026-02-04.

Conditions:
LRRK1-related disorder. Also called: LRRK1-related condition.

Allele frequency attached by ClinVar (database versions not stated): ESP Exome Variant Server 0.72131; 1000 Genomes Project 30x 0.72299; gnomAD exomes 0.83443 and 0.84397; 1000 Genomes Project 0.73063; ExAC 0.83747; gnomAD 0.73244 and 0.72222; TOPMed 0.71467.
gnomAD v4.1: 1,338,968 of 1,608,178 alleles (83%); highest among the groups gnomAD compares: South Asian, 89%; 564,961 homozygotes.

Submissions (3):

Labcorp Genetics (formerly Invitae), Labcorp
Classification: Benign. Last evaluated: 2026-02-04. Review status: criteria provided, single submitter. Criteria: Invitae Variant Classification Sherloc (09022015). Collection method: clinical testing. Allele origin: germline.

Breakthrough Genomics
Classification: Benign. Review status: criteria provided, single submitter. Criteria: ACMG Guidelines, 2015. Collection method: not provided. Allele origin: germline. Inheritance: Autosomal recessive inheritance. Affected: yes.

PreventionGenetics, part of Exact Sciences
Classification: Benign for LRRK1-related condition. Last evaluated: 2019-10-17. Review status: no assertion criteria provided. Collection method: clinical testing. Allele origin: germline. Not counted in ClinVar's aggregate classification.
Comment: This variant is classified as benign based on ACMG/AMP sequence variant interpretation guidelines (Richards et al. 2015 PMID: 25741868, with internal and published modifications).